The following is an entry in ClinVar:

NM_000540.3(RYR1):c.7375T>C (p.Ser2459Pro)

Gene: RYR1 (ryanodine receptor 1; plus strand). Cytogenetic location: 19q13.2.
Variant type: single nucleotide variant.
Coding change: c.7375T>C on transcript NM_000540.3 (MANE Select); coding-DNA position 7375, T replaced by C.
Protein change: p.Ser2459Pro; replaces serine 2459 with proline.
Molecular consequence: missense variant.
Genome position (GRCh38, 1-based): chr19:38,500,657, T>C. VCF-style: chr19-38500657-T-C. GRCh37 (hg19) VCF-style: chr19-38991297-T-C.
Other names: c.7375T>C, p.Ser2459Pro (NM_001042723.2); short protein forms S2459P.
Identifiers: ClinVar variation 1041913 (VCV001041913.8), dbSNP rs1970068453, ClinGen allele CA405670038.

ClinVar aggregate classification (germline): Uncertain significance (1 of 4 stars; one submission).

Conditions:
RYR1-related disorder. Also called: RYR1-related condition; RYR1-related disorders. Identifiers: MedGen CN239331.

Submission:

Labcorp Genetics (formerly Invitae), Labcorp
Classification: Uncertain significance for RYR1-related disorder. Last evaluated: 2020-07-13. Review status: criteria provided, single submitter. Criteria: Invitae Variant Classification Sherloc (09022015). Collection method: clinical testing. Allele origin: germline.
Comment: This sequence change replaces serine with proline at codon 2459 of the RYR1 protein (p.Ser2459Pro). The serine residue is highly conserved and there is a moderate physicochemical difference between serine and proline. In summary, the available evidence is currently insufficient to determine the role of this variant in disease. Therefore, it has been classified as a Variant of Uncertain Significance. Algorithms developed to predict the effect of missense changes on protein structure and function are either unavailable or do not agree on the potential impact of this missense change (SIFT: "Deleterious"; PolyPhen-2: "Benign"; Align-GVGD: "Class C0"). This variant has not been reported in the literature in individuals with RYR1-related conditions. This variant is not present in population databases (ExAC no frequency).